The following is an entry in ClinVar:

ClinVar aggregate classification (germline): Uncertain significance (1 of 4 stars; one submission).

Submission:

GeneDx
Classification: Uncertain significance. Last evaluated: 2024-02-07. Review status: criteria provided, single submitter. Criteria: GeneDx Variant Classification Process June 2021. Collection method: clinical testing. Allele origin: germline. Affected: yes.
Comment: Not observed at significant frequency in large population cohorts (gnomAD); In silico analysis supports that this missense variant has a deleterious effect on protein structure/function; Has not been previously published as pathogenic or benign to our knowledge

NM_000875.5(IGF1R):c.2912T>A (p.Val971Glu)

Gene: IGF1R (insulin like growth factor 1 receptor; plus strand). Cytogenetic location: 15q26.3.
Variant type: single nucleotide variant.
Coding change: c.2912T>A on transcript NM_000875.5 (MANE Select); coding-DNA position 2912, T replaced by A.
Protein change: p.Val971Glu; replaces valine 971 with glutamic acid.
Molecular consequence: missense variant.
Genome position (GRCh38, 1-based): chr15:98,930,261, T>A. VCF-style: chr15-98930261-T-A. GRCh37 (hg19) VCF-style: chr15-99473490-T-A.
Other names: c.2909T>A, p.Val970Glu (NM_001291858.2); short protein forms V970E, V971E.
Identifiers: ClinVar variation 3368789 (VCV003368789.1).